The following is an entry in ClinVar:

NM_001134407.3(GRIN2A):c.3735C>T (p.Leu1245=)

Gene: GRIN2A (glutamate ionotropic receptor NMDA type subunit 2A; minus strand). Cytogenetic location: 16p13.2.
Variant type: single nucleotide variant.
Coding change: c.3735C>T on transcript NM_001134407.3 (MANE Select); coding-DNA position 3735, C replaced by T.
Protein change: p.Leu1245=; no amino-acid change (leucine 1245 retained).
Molecular consequence: synonymous variant.
Genome position (GRCh38, 1-based): chr16:9,763,809, G>A on the plus strand (C>T on the coding strand, the complement: GRIN2A is on the minus strand). VCF-style: chr16-9763809-G-A. GRCh37 (hg19) VCF-style: chr16-9857666-G-A.
Other names: c.3735C>T, p.Leu1245= (NM_000833.5, NM_001134408.2).
Identifiers: ClinVar variation 3250848 (VCV003250848.18), dbSNP rs2505964273.

ClinVar aggregate classification (germline): Likely benign (1 of 4 stars; one submission).

Submission:

CeGaT Center for Human Genetics Tuebingen
Classification: Likely benign. Last evaluated: 2024-06-01. Review status: criteria provided, single submitter. Criteria: CeGaT Center For Human Genetics Tuebingen Variant Classification Criteria Version 2. Collection method: clinical testing. Allele origin: germline. Affected: yes. Observed: 1 variant allele.
Comment: GRIN2A: PM2:Supporting, BP4, BP7